The following is an entry in ClinVar:

ClinVar aggregate classification (germline): Uncertain significance (0 of 4 stars; one submission).

Conditions:
Retinitis pigmentosa 3. Also called: CHOROIDORETINAL DEGENERATION WITH RETINAL REFLEX IN HETEROZYGOUS WOMEN. Identifiers: Orphanet 791, MedGen C1845667, MONDO:0010227, OMIM 300029.

Submission:

Medical Genetics, Faculty of Medicine, Dokuz Eylül University
Classification: Uncertain significance for Retinitis pigmentosa 3. Last evaluated: 2025-06-03. Review status: no assertion criteria provided. Collection method: clinical testing. Allele origin: germline. Inheritance: X-linked recessive inheritance. Affected: yes. Observed: 1 hemizygote.
Comment: This variant has not been previously reported in the literature and public databases. Loss-of-function variants in RPGR are known to be pathogenic (PMID: 35432464).This variant, which is calculated to affect splice according to prediction programmes (SpliceAI:0.82, dbscSNV Ada:1), requires functional studies. The available evidence is insufficient to determine the role of this variant in disease. Therefore, it has been classified as a variant of uncertain significance.

Literature cited by the submitters: PubMed 35432464.

NM_001034853.2(RPGR):c.1414G>A (p.Asp472Asn)

Gene: RPGR (retinitis pigmentosa GTPase regulator; minus strand). Cytogenetic location: Xp11.4.
Variant type: single nucleotide variant.
Coding change: c.1414G>A on transcript NM_001034853.2 (MANE Select); coding-DNA position 1414, G replaced by A.
Protein change: p.Asp472Asn; replaces aspartic acid 472 with asparagine.
Molecular consequence: missense variant. On other transcripts: non-coding transcript variant (6).
Genome position (GRCh38, 1-based): chrX:38,297,284, C>T on the plus strand (G>A on the coding strand, the complement: RPGR is on the minus strand). VCF-style: chrX-38297284-C-T. GRCh37 (hg19) VCF-style: chrX-38156537-C-T.
Other names: p.(Asp472Asn); c.1414G>A, p.Asp472Asn (NM_000328.3, NM_001367247.1); c.1411G>A, p.Asp471Asn (NM_001367245.1, NM_001367249.1, NM_001367250.1); c.1228G>A, p.Asp410Asn (NM_001367246.1, NM_001367251.1); c.1444G>A, p.Asp482Asn (NM_001367248.1); short protein forms D410N, D471N, D472N, D482N.
Identifiers: ClinVar variation 3901115 (VCV003901115.1).